The following is an entry in ClinVar:

ClinVar aggregate classification (germline): Pathogenic (1 of 4 stars; one submission).

Conditions:
Nemaline myopathy 2 (NEM2). Also called: Nemaline myopathy 2, autosomal recessive. Identifiers: MedGen C1850569, MONDO:0009725, OMIM 256030.

Submission:

Labcorp Genetics (formerly Invitae), Labcorp
Classification: Pathogenic for Nemaline myopathy 2. Last evaluated: 2023-04-09. Review status: criteria provided, single submitter. Criteria: Invitae Variant Classification Sherloc (09022015). Collection method: clinical testing. Allele origin: germline.
Comment: This variant has not been reported in the literature in individuals affected with NEB-related conditions. This variant occurs in a region of NEB (Exons 82-105) consisting of three highly homologous 8-exon repeat units (exons 82-89, exons 90-97, exons 98-105). Sequence variants in this region can be detected, but this assay cannot determine which of the three repeat units is affected, and zygosity is often ambiguous. All variants in this region are reported relative to the exon 82-89 repeat. For these reasons, this variant has been classified as Pathogenic. The frequency data for this variant in the population databases (gnomAD) is considered unreliable due to the presence of homologous sequence, such as pseudogenes or paralogs, in the genome. This sequence change creates a premature translational stop signal (p.Asn4186Lysfs*8) in the NEB gene. It is expected to result in an absent or disrupted protein product. Loss-of-function variants in NEB are known to be pathogenic (PMID: 25205138).

Literature cited by the submitters: PubMed 25205138.

NM_001164508.2(NEB):c.12558_12568del (p.Asn4186fs)

Gene: NEB (nebulin; minus strand). Cytogenetic location: 2q23.3.
Variant type: Deletion.
Coding change: c.12558_12568del on transcript NM_001164508.2 (MANE Select); coding-DNA positions 12558 to 12568, 11 bases deleted (TAAAGATAAAA).
Protein change: p.Asn4186fs; shifts the reading frame from asparagine 4186.
Molecular consequence: frameshift variant. On other transcripts: intron variant (1).
Genome position (GRCh38, 1-based): chr2:151,607,575-151,607,585, TTTTATCTTTA deleted on the plus strand (TAAAGATAAAA on the coding strand, the reverse complement: NEB is on the minus strand); deleting any 11 consecutive bases within chr2:151,607,575-151,607,587 gives the same sequence; the c. name uses the placement nearest the transcript's 3' end. VCF-style (leftmost placement, unchanged base first): chr2-151607574-CTTTTATCTTTA-C. GRCh37 (hg19) VCF-style: chr2-152464088-CTTTTATCTTTA-C.
Other names: c.12558_12568del, p.Asn4186fs (NM_001164507.2, NM_001271208.2); c.11601+2224_11601+2234del (NM_004543.5); short protein forms N4186fs.
Identifiers: ClinVar variation 2848990 (VCV002848990.3), dbSNP rs2552225592, ClinGen allele CA2739271390.